The following is an entry in ClinVar:

NM_019616.4(F7):c.225+1018_225+1057del

Gene: F7 (coagulation factor VII; plus strand). Cytogenetic location: 13q34.
Variant type: Deletion.
Coding change: c.225+1018_225+1057del on transcript NM_019616.4 (MANE Select); bases 1018 to 1057 of the intron after coding-DNA position 225, 40 bases deleted.
Molecular consequence: intron variant.
Genome position (GRCh38, 1-based): chr13:113,111,868-113,111,907, 40 bases deleted; deleting any 40 consecutive bases within chr13:113,111,866-113,111,907 gives the same sequence; the c. name uses the placement nearest the transcript's 3' end. GRCh37 (hg19): chr13:113,766,182-113,766,221.
Other names: c.291+1018_291+1057del40 (NM_000131.4); c.291+1018_291+1057del (NM_000131.5); c.65-1979_65-1940del (NM_001267554.2).
Identifiers: ClinVar variation 3347618 (VCV003347618.1).

ClinVar aggregate classification (germline): Likely benign (0 of 4 stars; one submission).

Conditions:
F7-related disorder. Also called: F7-related condition.

Submission:

PreventionGenetics, part of Exact Sciences
Classification: Likely benign for F7-related condition. Last evaluated: 2024-07-18. Review status: no assertion criteria provided. Collection method: clinical testing. Allele origin: germline.
Comment: This variant is classified as likely benign based on ACMG/AMP sequence variant interpretation guidelines (Richards et al. 2015 PMID: 25741868, with internal and published modifications).